The following is an entry in ClinVar:

NM_006269.2(RP1):c.1127G>A (p.Arg376Gln)

Gene: RP1 (RP1 axonemal microtubule associated; plus strand). Cytogenetic location: 8q12.1.
Variant type: single nucleotide variant.
Coding change: c.1127G>A on transcript NM_006269.2 (MANE Select); coding-DNA position 1127, G replaced by A.
Protein change: p.Arg376Gln; replaces arginine 376 with glutamine.
Molecular consequence: missense variant. On other transcripts: intron variant (1).
Genome position (GRCh38, 1-based): chr8:54,625,009, G>A. VCF-style: chr8-54625009-G-A. GRCh37 (hg19) VCF-style: chr8-55537569-G-A.
Other names: c.787+2721G>A (NM_001375654.1); short protein forms R376Q.
Identifiers: ClinVar variation 1352217 (VCV001352217.7), dbSNP rs1166678265, ClinGen allele CA370989348.

ClinVar aggregate classification (germline): Uncertain significance. Review status: criteria provided, single submitter (1 of 4 stars). 2 submissions from 2 submitters: Uncertain significance (1). 1 of the submissions does not count toward it. Last evaluated 2025-08-11.

Conditions:
Retinal dystrophy. Also called: Inherited retinal dystrophy. Identifiers: Orphanet 71862, MedGen C0854723, MeSH D058499, MONDO:0019118, HP:0000556.

gnomAD v4.1: 5 of 1,614,120 alleles (0.00031%); highest among the groups gnomAD compares: African/African-American, 0.0027%; no homozygotes.

Submissions (2):

Labcorp Genetics (formerly Invitae), Labcorp
Classification: Uncertain significance. Last evaluated: 2025-08-11. Review status: criteria provided, single submitter. Criteria: Invitae Variant Classification Sherloc (09022015). Collection method: clinical testing. Allele origin: germline.
Comment: This sequence change replaces arginine, which is basic and polar, with glutamine, which is neutral and polar, at codon 376 of the RP1 protein (p.Arg376Gln). This variant is not present in population databases (gnomAD no frequency). This variant has not been reported in the literature in individuals affected with RP1-related conditions. ClinVar contains an entry for this variant (Variation ID: 1352217). An algorithm developed to predict the effect of missense changes on protein structure and function outputs the following: PolyPhen-2: "Benign". The glutamine amino acid residue is found in multiple mammalian species, which suggests that this missense change does not adversely affect protein function. In summary, the available evidence is currently insufficient to determine the role of this variant in disease. Therefore, it has been classified as a Variant of Uncertain Significance.

Institute of Human Genetics, Univ. Regensburg, Univ. Regensburg
Classification: Uncertain significance for Retinal dystrophy. Last evaluated: 2023-01-01. Review status: no assertion criteria provided. Criteria: ACMG Guidelines, 2015. Collection method: clinical testing. Allele origin: germline. Affected: yes. Not counted in ClinVar's aggregate classification.